The following is an entry in ClinVar:

NM_019098.5(CNGB3):c.1055+2T>G

Gene: CNGB3 (cyclic nucleotide gated channel subunit beta 3; minus strand). Cytogenetic location: 8q21.3.
Variant type: single nucleotide variant.
Coding change: c.1055+2T>G on transcript NM_019098.5 (MANE Select); the canonical splice donor site of the intron after coding-DNA position 1055, T replaced by G.
Molecular consequence: splice donor variant.
Genome position (GRCh38, 1-based): chr8:86,644,620, A>C on the plus strand (T>G on the coding strand, the complement: CNGB3 is on the minus strand). VCF-style: chr8-86644620-A-C. GRCh37 (hg19) VCF-style: chr8-87656848-A-C.
Other names: c.1055+2T>G (NM_019098.4).
Identifiers: ClinVar variation 3595926 (VCV003595926.2).
Genomic context (GRCh38, chr8:86,644,620, plus strand): 5'-CGTCTAAAATGTTGTACCATTGCTTTTTCCCCTTCCCCCAAGTATACTGAGTTATACTTT[A>C]CCTGTAGATATATGCTTTGTCCATTATAGACTCTAGGTGATGATTAAATTCAAAAAATGA-3'

ClinVar aggregate classification (germline): Likely pathogenic. Review status: criteria provided, multiple submitters, no conflicts (2 of 4 stars). 2 submissions from 2 submitters: Likely pathogenic (2). Last evaluated 2024-11-21.

Conditions:
Achromatopsia. Also called: Rod monochromatism. Identifiers: Orphanet 49382, MedGen C0152200, MONDO:0018852, HP:0011516.
Achromatopsia 3 (ACHM3). Also called: TOTAL COLORBLINDNESS WITH MYOPIA; ROD MONOCHROMACY 1; ROD MONOCHROMATISM 1; ACHROMATOPSIA WITH MYOPIA; PINGELAPESE BLINDNESS. Identifiers: Orphanet 49382, MedGen C1849792, MONDO:0009875, OMIM 262300.

gnomAD v4.1: 2 of 1,600,820 alleles (0.00012%); highest among the groups gnomAD compares: African/African-American, 0.0027%; no homozygotes.

Submissions (2):

Natera, Inc.
Classification: Likely pathogenic for Achromatopsia. Last evaluated: 2024-11-21. Review status: criteria provided, single submitter. Criteria: Natera Variant Classification Schema (03/2026). Collection method: clinical testing. Allele origin: germline.
Comment: The c.1055+2T>G variant in CNGB3 is a canonical splice donor site variant predicted to affect pre-mRNA splicing, which may result in an abnormal transcript and altered protein product. This variant is expected to result in nonsense mediated decay, truncation, or a dysfunctional protein product. This variant is rare in the general population with a frequency below the threshold expected for the associated phenotype(s). Given the available evidence, this variant is classified as Likely Pathogenic.

Fulgent Genetics
Classification: Likely pathogenic for Achromatopsia 3. Last evaluated: 2024-04-26. Review status: criteria provided, single submitter. Criteria: ACMG Guidelines, 2015. Collection method: clinical testing. Allele origin: germline.